The following is an entry in ClinVar:

ClinVar aggregate classification (germline): Likely benign. Review status: criteria provided, multiple submitters, no conflicts (2 of 4 stars). 3 submissions from 3 submitters: Likely benign (2). 1 of the submissions does not count toward it. Last evaluated 2026-04-14.

Conditions:
Cardiovascular phenotype. Identifiers: MedGen CN230736.
TNXB-related disorder. Also called: TNXB-related condition.

Allele frequency attached by ClinVar (database versions not stated): gnomAD exomes 0.00002; ExAC 0.00003; gnomAD 0.00005; TOPMed 0.00005; ESP Exome Variant Server 0.00013.
gnomAD v4.1: 40 of 1,613,412 alleles (0.0025%); highest among the groups gnomAD compares: African/African-American, 0.02%; no homozygotes.

Submissions (3):

Women's Health and Genetics/Laboratory Corporation of America, LabCorp
Classification: Likely benign. Last evaluated: 2026-04-14. Review status: criteria provided, single submitter. Criteria: LabCorp Variant Classification Summary - May 2015. Collection method: clinical testing. Allele origin: germline.

Ambry Genetics
Classification: Likely benign for Cardiovascular phenotype. Last evaluated: 2022-12-24. Review status: criteria provided, single submitter. Criteria: Ambry Variant Classification Scheme 2023. Collection method: clinical testing. Allele origin: germline.

PreventionGenetics, part of Exact Sciences
Classification: Likely benign for TNXB-related condition. Last evaluated: 2021-11-09. Review status: no assertion criteria provided. Collection method: clinical testing. Allele origin: germline. Not counted in ClinVar's aggregate classification.
Comment: This variant is classified as likely benign based on ACMG/AMP sequence variant interpretation guidelines (Richards et al. 2015 PMID: 25741868, with internal and published modifications).

NM_001365276.2(TNXB):c.8571T>C (p.Pro2857=)

Gene: TNXB (tenascin XB; minus strand). Cytogenetic location: 6p21.33.
Variant type: single nucleotide variant.
Coding change: c.8571T>C on transcript NM_001365276.2 (MANE Select); coding-DNA position 8571, T replaced by C.
Protein change: p.Pro2857=; no amino-acid change (proline 2857 retained).
Molecular consequence: synonymous variant.
Genome position (GRCh38, 1-based): chr6:32,053,608, A>G on the plus strand (T>C on the coding strand, the complement: TNXB is on the minus strand). VCF-style: chr6-32053608-A-G. GRCh37 (hg19) VCF-style: chr6-32021385-A-G.
Other names: c.8565T>C, p.Pro2855= (NM_019105.8).
Identifiers: ClinVar variation 2464154 (VCV002464154.5), dbSNP rs372992568, ClinGen allele CA3733797.